The following is an entry in ClinVar:

ClinVar aggregate classification (germline): Conflicting classifications of pathogenicity. Review status: criteria provided, conflicting classifications (1 of 4 stars). 10 submissions from 10 submitters: Uncertain significance (8); Likely benign (2). Last evaluated 2026-01-06.

Conditions:
NEB-related disorder. Also called: NEB-Related Disorders; NEB-related condition.
Nemaline myopathy 2 (NEM2). Also called: Nemaline myopathy 2, autosomal recessive. Identifiers: MedGen C1850569, MONDO:0009725, OMIM 256030.
Inborn genetic diseases. Identifiers: MedGen C0950123, MeSH D030342.

Allele frequency attached by ClinVar (database versions not stated): ExAC 0.00007; ESP Exome Variant Server 0.00008; gnomAD exomes 0.00008 and 0.00012; gnomAD 0.00009 and 0.00010; TOPMed 0.00011.
gnomAD v4.1: 201 of 1,613,786 alleles (0.012%); highest among the groups gnomAD compares: Middle Eastern, 0.21%; 1 homozygote.

Submissions (10):

Labcorp Genetics (formerly Invitae), Labcorp
Classification: Likely benign for Nemaline myopathy 2. Last evaluated: 2026-01-06. Review status: criteria provided, single submitter. Criteria: Invitae Variant Classification Sherloc (09022015). Collection method: clinical testing. Allele origin: germline.

CeGaT Center for Human Genetics Tuebingen
Classification: Uncertain significance. Last evaluated: 2026-01-01. Review status: criteria provided, single submitter. Criteria: CeGaT Center For Human Genetics Tuebingen Variant Classification Criteria Version 2. Collection method: clinical testing. Allele origin: germline. Affected: yes. Observed: 1 variant allele.
Comment: NEB: PM2

PreventionGenetics, part of Exact Sciences
Classification: Uncertain significance for NEB-related condition. Last evaluated: 2025-01-22. Review status: criteria provided, single submitter. Criteria: ACMG Guidelines, 2015. Collection method: clinical testing. Allele origin: germline.
Comment: The NEB c.7343G>A variant is predicted to result in the amino acid substitution p.Arg2448His. However, this individual also harbored de novo variants in the AHDC1 and HUWE1 genes, which may have explained their phenotype (Khayat et al. 2021. PubMed ID: 34950897). This variant is reported in 0.012% of alleles in individuals of European (Non-Finnish) descent in gnomAD. At this time, the clinical significance of this variant is uncertain due to the absence of conclusive functional and genetic evidence.

Blueprint Genetics
Classification: Uncertain significance. Last evaluated: 2024-05-14. Review status: criteria provided, single submitter. Criteria: ACMG Guidelines, 2015. Collection method: clinical testing. Allele origin: germline.

Mayo Clinic Laboratories, Mayo Clinic
Classification: Uncertain significance. Last evaluated: 2024-05-09. Review status: criteria provided, single submitter. Criteria: ACMG Guidelines, 2015. Collection method: clinical testing. Allele origin: germline. Observed: 1 variant allele.
Comment: PM2

Revvity Omics, Revvity
Classification: Uncertain significance. Last evaluated: 2024-02-06. Review status: criteria provided, single submitter. Criteria: ACMG Guidelines, 2015. Collection method: clinical testing. Allele origin: germline.

Ambry Genetics
Classification: Uncertain significance for Inborn genetic diseases. Last evaluated: 2021-08-12. Review status: criteria provided, single submitter. Criteria: Ambry Variant Classification Scheme 2023. Collection method: clinical testing. Allele origin: germline.

Baylor Genetics
Classification: Uncertain significance for Nemaline myopathy 2. Last evaluated: 2019-08-08. Review status: criteria provided, single submitter. Criteria: ACMG Guidelines, 2015. Collection method: clinical testing. Allele origin: unknown. Affected: yes.
Comment: This variant was determined to be of uncertain significance according to ACMG Guidelines, 2015 [PMID:25741868].

Illumina Laboratory Services, Illumina
Classification: Uncertain significance for Nemaline myopathy 2. Last evaluated: 2018-01-13. Review status: criteria provided, single submitter. Criteria: ICSL Variant Classification Criteria 13 December 2019. Collection method: clinical testing. Allele origin: germline.

GeneDx
Classification: Likely benign. Last evaluated: 2017-09-18. Review status: criteria provided, single submitter. Criteria: GeneDx Variant Classification (06012015). Collection method: clinical testing. Allele origin: germline. Affected: yes.
Comment: This variant is considered likely benign or benign based on one or more of the following criteria: it is a conservative change, it occurs at a poorly conserved position in the protein, it is predicted to be benign by multiple in silico algorithms, and/or has population frequency not consistent with disease.

NM_001164508.2(NEB):c.7343G>A (p.Arg2448His)

Gene: NEB (nebulin; minus strand). Cytogenetic location: 2q23.3.
Variant type: single nucleotide variant.
Coding change: c.7343G>A on transcript NM_001164508.2 (MANE Select); coding-DNA position 7343, G replaced by A.
Protein change: p.Arg2448His; replaces arginine 2448 with histidine.
Molecular consequence: missense variant.
Genome position (GRCh38, 1-based): chr2:151,650,264, C>T on the plus strand (G>A on the coding strand, the complement: NEB is on the minus strand). VCF-style: chr2-151650264-C-T. GRCh37 (hg19) VCF-style: chr2-152506778-C-T.
Other names: p.Arg2448His; c.7343G>A, p.Arg2448His (NM_001164507.2, NM_001271208.2, NM_004543.5); short protein forms R2448H.
Identifiers: ClinVar variation 516322 (VCV000516322.23), dbSNP rs373589529, ClinGen allele CA1909877.
Genomic context (GRCh38, chr2:151,650,264, plus strand): 5'-GCCAGAACTATATCCATGGCATCAGGAATGCTGGTGAACTTGTTTCTGTCTGGAGGCTGA[C>T]GATATTTCTTCTCACTGATGATTTCCGAAGCCCGCTTGTTCTTTTCTGCCTCTAAAGAAC-3'
Protein context (NP_001157980.2, residues 2438-2458): ASEIISEKKY[Arg2448His]QPPDRNKFTS